The following is an entry in ClinVar:

ClinVar aggregate classification (germline): Uncertain significance (1 of 4 stars; one submission).

Allele frequency attached by ClinVar (database versions not stated): gnomAD exomes below 0.00001.
gnomAD v4.1: 2 of 1,552,214 alleles (0.00013%); highest among the groups gnomAD compares: Admixed American, 0.0039%; no homozygotes.

Submission:

GeneDx
Classification: Uncertain significance. Last evaluated: 2026-02-16. Review status: criteria provided, single submitter. Criteria: GeneDx Variant Classification Process June 2021. Collection method: clinical testing. Allele origin: germline.
Comment: Not observed at significant frequency in large population cohorts (gnomAD); In silico analysis suggests that this missense variant does not alter protein structure/function; Has not been previously published as pathogenic or benign to our knowledge

NM_001384474.1(LOXHD1):c.1388C>A (p.Pro463His)

Gene: LOXHD1 (lipoxygenase homology PLAT domains 1; minus strand). Cytogenetic location: 18q21.1.
Variant type: single nucleotide variant.
Coding change: c.1388C>A on transcript NM_001384474.1 (MANE Select); coding-DNA position 1388, C replaced by A.
Protein change: p.Pro463His; replaces proline 463 with histidine.
Molecular consequence: missense variant.
Genome position (GRCh38, 1-based): chr18:46,593,643, G>T on the plus strand (C>A on the coding strand, the complement: LOXHD1 is on the minus strand). VCF-style: chr18-46593643-G-T. GRCh37 (hg19) VCF-style: chr18-44173606-G-T.
Other names: c.1388C>A, p.Pro463His (NM_144612.7); short protein forms P463H.
Identifiers: ClinVar variation 2500526 (VCV002500526.2), dbSNP rs950361221, ClinGen allele CA299804065.
Genomic context (GRCh38, chr18:46,593,643, plus strand): 5'-TCACAATCCTCTCCTACCCTAAACTTCTCGATTATGCCGGGTTTGAACCACTTGTTGTTG[G>T]GATTCAGGAGAATCTCATCTGTCCGCCCCTTCTGCCCATAAATCTGGATGAAGATGGGAG-3'
Protein context (NP_001371403.1, residues 453-473): KGRTDEILLN[Pro463His]NNKWFKPGII